The following is an entry in ClinVar:

NM_001166114.2(PNPLA6):c.2937-3C>T

Gene: PNPLA6 (patatin like domain 6, lysophospholipase; plus strand). Cytogenetic location: 19p13.2.
Variant type: single nucleotide variant.
Coding change: c.2937-3C>T on transcript NM_001166114.2 (MANE Select); 3 bases into the intron before coding-DNA position 2937, C replaced by T.
Molecular consequence: intron variant.
Genome position (GRCh38, 1-based): chr19:7,555,604, C>T. VCF-style: chr19-7555604-C-T. GRCh37 (hg19) VCF-style: chr19-7620490-C-T.
Other names: c.2823-3C>T (NM_006702.5, NM_001166113.1); c.2742-3C>T (NM_001166112.2); c.2967-3C>T (NM_001166111.2).
Identifiers: ClinVar variation 1940317 (VCV001940317.3), dbSNP rs1378578365, ClinGen allele CA631463244.
Genomic context (GRCh38, chr19:7,555,604, plus strand): 5'-TAGGGGCAGGGGAGTTCCTGCAGGTGGGGCCTAGCGGGTCACTGGGGCCCATTTTCCCGG[C>T]AGGGGCTGCTCGCACATCGGAGTACTAAAGGCATTAGAGGAGGCGGGGGTCCCCGTGGAC-3'

ClinVar aggregate classification (germline): Uncertain significance (1 of 4 stars; one submission).

Conditions:
Hereditary spastic paraplegia 39 (SPG39). Also called: SPASTIC PARAPLEGIA 39, AUTOSOMAL RECESSIVE; Spastic Paraplegia Type 39 (SPG39). Identifiers: Orphanet 139480, MedGen C2677586, MONDO:0012787, OMIM 612020.

Submission:

Labcorp Genetics (formerly Invitae), Labcorp
Classification: Uncertain significance for Hereditary spastic paraplegia 39. Last evaluated: 2022-08-20. Review status: criteria provided, single submitter. Criteria: Invitae Variant Classification Sherloc (09022015). Collection method: clinical testing. Allele origin: germline.
Comment: Variants that disrupt the consensus splice site are a relatively common cause of aberrant splicing (PMID: 17576681, 9536098). Algorithms developed to predict the effect of sequence changes on RNA splicing suggest that this variant is not likely to affect RNA splicing. In summary, the available evidence is currently insufficient to determine the role of this variant in disease. Therefore, it has been classified as a Variant of Uncertain Significance. This variant has not been reported in the literature in individuals affected with PNPLA6-related conditions. This variant is not present in population databases (gnomAD no frequency). This sequence change falls in intron 26 of the PNPLA6 gene. It does not directly change the encoded amino acid sequence of the PNPLA6 protein. It affects a nucleotide within the consensus splice site.

Literature cited by the submitters: PubMed 17576681; PubMed 9536098.